The following is an entry in ClinVar:

NM_001458.5(FLNC):c.4128-1G>C

Gene: FLNC (filamin C; plus strand). Cytogenetic location: 7q32.1.
Variant type: single nucleotide variant.
Coding change: c.4128-1G>C on transcript NM_001458.5 (MANE Select); the canonical splice acceptor site of the intron before coding-DNA position 4128, G replaced by C.
Molecular consequence: splice acceptor variant.
Genome position (GRCh38, 1-based): chr7:128,846,744, G>C. VCF-style: chr7-128846744-G-C. GRCh37 (hg19) VCF-style: chr7-128486798-G-C.
Other names: c.4128-1G>C (NM_001127487.2).
Identifiers: ClinVar variation 2052802 (VCV002052802.6), dbSNP rs2536643440, ClinGen allele CA369200310.

ClinVar aggregate classification (germline): Likely pathogenic. Review status: criteria provided, multiple submitters, no conflicts (2 of 4 stars). 2 submissions from 2 submitters: Likely pathogenic (2). Last evaluated 2025-04-08.

Conditions:
Myofibrillar myopathy 5. Also called: Filaminopathy (type); FILAMINOPATHY, AUTOSOMAL DOMINANT. Identifiers: Orphanet 171445, MedGen C1836050, MONDO:0012289, OMIM 609524.
Distal myopathy with posterior leg and anterior hand involvement. Also called: WILLIAMS DISTAL MYOPATHY. Identifiers: Orphanet 63273, MedGen C3279722, MONDO:0013550, OMIM 614065.
Hypertrophic cardiomyopathy 26. Also called: Cardiomyopathy, familial hypertrophic, 26. Identifiers: Orphanet 75249, MedGen C4310749, MONDO:0014883, OMIM 617047.

Submissions (2):

Labcorp Genetics (formerly Invitae), Labcorp
Classification: Likely pathogenic for Distal myopathy with posterior leg and anterior hand involvement; Myofibrillar myopathy 5; Hypertrophic cardiomyopathy 26. Last evaluated: 2025-04-08. Review status: criteria provided, single submitter. Criteria: Invitae Variant Classification Sherloc (09022015). Collection method: clinical testing. Allele origin: germline.
Comment: This sequence change affects an acceptor splice site in intron 23 of the FLNC gene. It is expected to disrupt RNA splicing. Variants that disrupt the donor or acceptor splice site typically lead to a loss of protein function (PMID: 16199547), and loss-of-function variants in FLNC are known to be pathogenic (PMID: 27908349). This variant is not present in population databases (gnomAD no frequency). This variant has not been reported in the literature in individuals affected with FLNC-related conditions. ClinVar contains an entry for this variant (Variation ID: 2052802). Algorithms developed to predict the effect of sequence changes on RNA splicing suggest that this variant may disrupt the consensus splice site. In summary, the currently available evidence indicates that the variant is pathogenic, but additional data are needed to prove that conclusively. Therefore, this variant has been classified as Likely Pathogenic.

GeneDx
Classification: Likely pathogenic. Last evaluated: 2025-04-04. Review status: criteria provided, single submitter. Criteria: GeneDx Variant Classification Process June 2021. Collection method: clinical testing. Allele origin: germline.
Comment: Has not been previously published as pathogenic or benign in association with an FLNC-related disorder to our knowledge; Not observed at significant frequency in large population cohorts (gnomAD); Canonical splice site variant predicted to result in a null allele in a gene for which loss of function is a known mechanism of disease; This variant is associated with the following publications: (PMID: 35699965)

Literature cited by the submitters: PubMed 16199547 (cited by Labcorp Genetics (formerly Invitae), Labcorp); PubMed 27908349 (cited by Labcorp Genetics (formerly Invitae), Labcorp).